The following is an entry in ClinVar:

NM_024884.3(L2HGDH):c.446T>G (p.Leu149Arg)

Gene: L2HGDH (L-2-hydroxyglutarate dehydrogenase; minus strand). Cytogenetic location: 14q21.3.
Variant type: single nucleotide variant.
Coding change: c.446T>G on transcript NM_024884.3 (MANE Select); coding-DNA position 446, T replaced by G.
Protein change: p.Leu149Arg; replaces leucine 149 with arginine.
Molecular consequence: missense variant.
Genome position (GRCh38, 1-based): chr14:50,294,209, A>C on the plus strand (T>G on the coding strand, the complement: L2HGDH is on the minus strand). VCF-style: chr14-50294209-A-C. GRCh37 (hg19) VCF-style: chr14-50760927-A-C.
Other names: c.446T>G, p.Leu149Arg (NM_001425212.1); c.335T>G, p.Leu112Arg (NM_001425213.1, NM_001425214.1); c.-180T>G (NM_001425215.1, NM_001425218.1); c.-101T>G (NM_001425216.1); c.-258T>G (NM_001425217.1); short protein forms L112R, L149R.
Identifiers: ClinVar variation 2736108 (VCV002736108.1), dbSNP rs1303371959, ClinGen allele CA389657255.

ClinVar aggregate classification (germline): Uncertain significance (1 of 4 stars; one submission).

Conditions:
L-2-hydroxyglutaric aciduria (L2HGA). Identifiers: Orphanet 79314, MedGen C1855995, MONDO:0009370, OMIM 236792, HP:0040144.

Allele frequency attached by ClinVar (database versions not stated): gnomAD 0.00001; gnomAD exomes 0.00001; TOPMed 0.00002.
gnomAD v4.1: 9 of 1,613,554 alleles (0.00056%); highest among the groups gnomAD compares: Non-Finnish European, 0.00076%; no homozygotes.

Submission:

Labcorp Genetics (formerly Invitae), Labcorp
Classification: Uncertain significance for L-2-hydroxyglutaric aciduria. Last evaluated: 2023-09-22. Review status: criteria provided, single submitter. Criteria: Invitae Variant Classification Sherloc (09022015). Collection method: clinical testing. Allele origin: germline.
Comment: This sequence change replaces leucine, which is neutral and non-polar, with arginine, which is basic and polar, at codon 149 of the L2HGDH protein (p.Leu149Arg). This variant is not present in population databases (gnomAD no frequency). This missense change has been observed in individuals with clinical features of L-2-hydroxyglutaric aciduria (PMID: 19863265; Invitae). Advanced modeling of protein sequence and biophysical properties (such as structural, functional, and spatial information, amino acid conservation, physicochemical variation, residue mobility, and thermodynamic stability) performed at Invitae indicates that this missense variant is expected to disrupt L2HGDH protein function. In summary, the available evidence is currently insufficient to determine the role of this variant in disease. Therefore, it has been classified as a Variant of Uncertain Significance.

Literature cited by the submitters: PubMed 19863265.